The following is an entry in ClinVar:

NM_000193.4(SHH):c.1322A>G (p.Gln441Arg)

Gene: SHH (sonic hedgehog signaling molecule; minus strand). Cytogenetic location: 7q36.3.
Variant type: single nucleotide variant.
Coding change: c.1322A>G on transcript NM_000193.4 (MANE Select); coding-DNA position 1322, A replaced by G.
Protein change: p.Gln441Arg; replaces glutamine 441 with arginine.
Molecular consequence: missense variant. On other transcripts: intron variant (1).
Genome position (GRCh38, 1-based): chr7:155,802,967, T>C on the plus strand (A>G on the coding strand, the complement: SHH is on the minus strand). VCF-style: chr7-155802967-T-C. GRCh37 (hg19) VCF-style: chr7-155595661-T-C.
Other names: c.302-2722A>G (NM_001310462.2); short protein forms Q441R.
Identifiers: ClinVar variation 3021110 (VCV003021110.3), dbSNP rs772208100, ClinGen allele CA4586881.

ClinVar aggregate classification (germline): Uncertain significance (1 of 4 stars; one submission).

Conditions:
Holoprosencephaly 3 (HPE3). Identifiers: Orphanet 2162, MedGen C1840529, MONDO:0007733, OMIM 142945.

Allele frequency attached by ClinVar (database versions not stated): gnomAD exomes below 0.00001; ExAC 0.00001.
gnomAD v4.1: 2 of 1,558,462 alleles (0.00013%); highest among the groups gnomAD compares: Admixed American, 0.0037%; no homozygotes.

Submission:

Labcorp Genetics (formerly Invitae), Labcorp
Classification: Uncertain significance for Holoprosencephaly 3. Last evaluated: 2023-01-25. Review status: criteria provided, single submitter. Criteria: Invitae Variant Classification Sherloc (09022015). Collection method: clinical testing. Allele origin: germline.
Comment: This sequence change replaces glutamine, which is neutral and polar, with arginine, which is basic and polar, at codon 441 of the SHH protein (p.Gln441Arg). In summary, the available evidence is currently insufficient to determine the role of this variant in disease. Therefore, it has been classified as a Variant of Uncertain Significance. Advanced modeling of protein sequence and biophysical properties (such as structural, functional, and spatial information, amino acid conservation, physicochemical variation, residue mobility, and thermodynamic stability) performed at Invitae indicates that this missense variant is not expected to disrupt SHH protein function. This variant has not been reported in the literature in individuals affected with SHH-related conditions. This variant is present in population databases (rs772208100, gnomAD 0.007%).